The following is an entry in ClinVar:

NM_030962.4(SBF2):c.4444G>A (p.Val1482Ile)

Genes: SBF2 (SET binding factor 2; minus strand), SBF2-AS1 (SBF2 antisense RNA 1; plus strand). Cytogenetic location: 11p15.4.
Variant type: single nucleotide variant.
Coding change: c.4444G>A on transcript NM_030962.4 (MANE Select); coding-DNA position 4444, G replaced by A.
Protein change: p.Val1482Ile; replaces valine 1482 with isoleucine.
Molecular consequence: missense variant.
Genome position (GRCh38, 1-based): chr11:9,795,957, C>T on the plus strand (G>A on the coding strand, the complement: SBF2 is on the minus strand). VCF-style: chr11-9795957-C-T. GRCh37 (hg19) VCF-style: chr11-9817504-C-T.
Other names: c.4540G>A, p.Val1514Ile (NM_001386339.1); c.4315G>A, p.Val1439Ile (NM_001386342.1); short protein forms V1439I, V1482I, V1514I.
Identifiers: ClinVar variation 2016410 (VCV002016410.4), dbSNP rs2494547232, ClinGen allele CA379636710.

ClinVar aggregate classification (germline): Uncertain significance (1 of 4 stars; one submission).

Conditions:
Charcot-Marie-Tooth disease type 4. Also called: Charcot-Marie-Tooth, Type 4; Charcot-Marie-Tooth disease, type IV. Identifiers: Orphanet 64749, MedGen C4082197, MONDO:0018995.

Allele frequency attached by ClinVar (database versions not stated): gnomAD exomes below 0.00001.
gnomAD v4.1: 1 of 1,612,842 alleles (0.000062%); highest among the groups gnomAD compares: Non-Finnish European, 0.000085%; no homozygotes.

Submission:

Labcorp Genetics (formerly Invitae), Labcorp
Classification: Uncertain significance for Charcot-Marie-Tooth disease type 4. Last evaluated: 2022-07-13. Review status: criteria provided, single submitter. Criteria: Invitae Variant Classification Sherloc (09022015). Collection method: clinical testing. Allele origin: germline.
Comment: This sequence change replaces valine, which is neutral and non-polar, with isoleucine, which is neutral and non-polar, at codon 1482 of the SBF2 protein (p.Val1482Ile). This variant is not present in population databases (gnomAD no frequency). This variant has not been reported in the literature in individuals affected with SBF2-related conditions. Algorithms developed to predict the effect of missense changes on protein structure and function output the following: SIFT: "Tolerated"; PolyPhen-2: "Benign"; Align-GVGD: "Class C0". The isoleucine amino acid residue is found in multiple mammalian species, which suggests that this missense change does not adversely affect protein function. In summary, the available evidence is currently insufficient to determine the role of this variant in disease. Therefore, it has been classified as a Variant of Uncertain Significance.